The following continues an entry in ClinVar:

NM_000500.9(CYP21A2):c.1447C>T (p.Pro483Ser)

ClinVar aggregate classification (germline): Pathogenic/Likely pathogenic. Pathogenic (11); Likely pathogenic (4).

Submissions 14 to 16 of 16:

Laboratory for Molecular Medicine, Mass General Brigham Personalized Medicine
Classification: Pathogenic for Classic congenital adrenal hyperplasia due to 21-hydroxylase deficiency. Last evaluated: 2017-10-25. Review status: criteria provided, single submitter. Criteria: LMM Criteria. Collection method: clinical testing. Allele origin: germline. Inheritance: Autosomal recessive inheritance. Observed: 2 variant alleles.
Comment: The p.Pro483Ser (NM_000500.7 c.1447C>T) variant in CYP21A2 (also described as p. Pro482Ser, legacy) has been reported in at least 13 heterozygous individuals who se second allele was not identified and 25 compound heterozygous individual with non-classical congenital adrenal hyperplasia and related disorders (Barbaro 200 4, Finklestain 2011, Neocleous 2014, Skordis 2015, Fernandez 2015, Balsamo 2000, Di Pasquale 2005, Concolino 2011, Skordis 2011, Marino 2011, Malikova 2012, and Livadas 2015). It should be noted that this variant segregated in 2 siblings (1 of which was asymptomatic) in 2 families (Barbaro 2014). Although a second var iant was not identified in a large number of individuals, the allele frequency i n cases is statistically significantly increased compared to the general populat ion (18/1534 vs 82/114,652 European gnomAD, p<0.0001 (Chi-Square with Yates corr ection) suggesting a causative role. In vitro functional studies suggest that th e p.Pro483 variant may be a mild mutation with reduced activity (Barbaro 2004 an d Barbaro 2015). This variant has been identified in 0.071% (82/114734) of Europ ean chromosomes by the Genome Aggregation Database (gnomAD; dbSNP rs776989258), though this frequency is low enough to be cons istent with a recessive carrier frequency. In summary, although additional studi es are required to fully establish its clinical significance, the p.Pro483Ser va riant is pathogenic for non-classical congenital adrenal hyperplasia in an autos omal recessive manner based upon statistically significant case observations in affected individuals and functional studies. It also should be noted that this v ariant is considered to confer a mild phenotype. ACMG/AMP Criteria applied: PM3 _VeryStrong; PS3_Moderate; PS4_Moderate; PP3 (Richards 2015).

Hadassah Hebrew University Medical Center
Classification: Likely pathogenic for 21-Hydroxylase-Deficient Congenital Adrenal Hyperplasia. Review status: criteria provided, single submitter. Criteria: ACMG Guidelines, 2015. Collection method: research. Allele origin: germline. Affected: no. Observed: 2 variant alleles.

Dubai Health Genomic Medicine Center, Dubai Health
Classification: Uncertain significance for 21-Hydroxylase-Deficient Congenital Adrenal Hyperplasia. Last evaluated: 2020-01-24. Review status: flagged submission. Criteria: ACMG Guidelines, 2015. Collection method: clinical testing. Allele origin: germline. Affected: yes. Not counted in ClinVar's aggregate classification.
ClinVar note: Reason: Outlier claim with insufficient supporting evidence

Literature cited by the submitters: PubMed 15126570 (cited by 5 submitters); PubMed 19263525 (cited by Ambry Genetics and Laboratory for Molecular Medicine, Mass General Brigham Personalized Medicine); PubMed 21635882 (cited by Ambry Genetics and Athena Diagnostics); PubMed 24953648 (cited by 3 submitters); PubMed 25041270 (cited by 3 submitters); PubMed 27721825 (cited by Ambry Genetics and Athena Diagnostics); PubMed 20926536 (cited by 3 submitters); PubMed 26184415 (cited by 3 submitters); PubMed 25538881 (cited by 3 submitters); PubMed 10931088 (cited by 3 submitters); PubMed 16500637 (cited by Women's Health and Genetics/Laboratory Corporation of America, LabCorp); PubMed 16483186 (cited by Women's Health and Genetics/Laboratory Corporation of America, LabCorp and Laboratory for Molecular Medicine, Mass General Brigham Personalized Medicine); PubMed 16487445 (cited by Women's Health and Genetics/Laboratory Corporation of America, LabCorp); PubMed 16636976 (cited by Women's Health and Genetics/Laboratory Corporation of America, LabCorp); PubMed 30609409 (cited by Women's Health and Genetics/Laboratory Corporation of America, LabCorp and Athena Diagnostics); PubMed 21444649 (cited by Athena Diagnostics); PubMed 21609351 (cited by Athena Diagnostics and Laboratory for Molecular Medicine, Mass General Brigham Personalized Medicine); PubMed 30968594 (cited by Athena Diagnostics); PubMed 29035424 (cited by Athena Diagnostics); PubMed 32289882 (cited by Athena Diagnostics); PubMed 35112591 (cited by Athena Diagnostics); PubMed 25481255 (cited by Athena Diagnostics and Laboratory for Molecular Medicine, Mass General Brigham Personalized Medicine); PubMed 29450859 (cited by Athena Diagnostics); PubMed 20838032 (cited by Laboratory for Molecular Medicine, Mass General Brigham Personalized Medicine); PubMed 22313422 (cited by Laboratory for Molecular Medicine, Mass General Brigham Personalized Medicine); PubMed 22262854 (cited by Laboratory for Molecular Medicine, Mass General Brigham Personalized Medicine).